The following is an entry in ClinVar:

ClinVar aggregate classification (germline): Uncertain significance (1 of 4 stars; one submission).

Conditions:
Neuropathy, hereditary sensory and autonomic, type 2A (HSAN2A). Also called: ACROOSTEOLYSIS, GIACCAI TYPE; ACROOSTEOLYSIS, NEUROGENIC; MORVAN DISEASE; NEUROPATHY, CONGENITAL SENSORY; NEUROPATHY, HEREDITARY SENSORY RADICULAR, AUTOSOMAL RECESSIVE; NEUROPATHY, HEREDITARY SENSORY, TYPE IIA. Identifiers: Orphanet 970, MedGen C2752089, MONDO:0024309, OMIM 201300.
Generalized epilepsy with febrile seizures plus, type 7 (GEFSP7). Also called: GEFS+, TYPE 7. Identifiers: Orphanet 36387, MedGen C2751778, MONDO:0013470, OMIM 613863.

Allele frequency attached by ClinVar (database versions not stated): gnomAD exomes below 0.00001; ExAC 0.00001.

Submission:

Labcorp Genetics (formerly Invitae), Labcorp
Classification: Uncertain significance for Neuropathy, hereditary sensory and autonomic, type 2A; Generalized epilepsy with febrile seizures plus, type 7. Last evaluated: 2024-05-06. Review status: criteria provided, single submitter. Criteria: Invitae Variant Classification Sherloc (09022015). Collection method: clinical testing. Allele origin: germline.
Comment: This sequence change replaces methionine, which is neutral and non-polar, with valine, which is neutral and non-polar, at codon 1845 of the SCN9A protein (p.Met1845Val). This variant is present in population databases (rs781049315, gnomAD 0.0009%). This variant has not been reported in the literature in individuals affected with SCN9A-related conditions. Advanced modeling of protein sequence and biophysical properties (such as structural, functional, and spatial information, amino acid conservation, physicochemical variation, residue mobility, and thermodynamic stability) performed at Invitae indicates that this missense variant is not expected to disrupt SCN9A protein function with a negative predictive value of 95%. In summary, the available evidence is currently insufficient to determine the role of this variant in disease. Therefore, it has been classified as a Variant of Uncertain Significance.

NM_001365536.1(SCN9A):c.5566A>G (p.Met1856Val)

Genes: SCN9A (sodium voltage-gated channel alpha subunit 9; minus strand), SCN1A-AS1 (SCN1A and SCN9A antisense RNA 1; plus strand). Cytogenetic location: 2q24.3.
Variant type: single nucleotide variant.
Coding change: c.5566A>G on transcript NM_001365536.1 (MANE Select); coding-DNA position 5566, A replaced by G.
Protein change: p.Met1856Val; replaces methionine 1856 with valine.
Molecular consequence: missense variant.
Genome position (GRCh38, 1-based): chr2:166,199,073, T>C on the plus strand (A>G on the coding strand, the complement: SCN9A is on the minus strand). VCF-style: chr2-166199073-T-C. GRCh37 (hg19) VCF-style: chr2-167055583-T-C.
Other names: c.5533A>G, p.Met1845Val (NM_002977.4); short protein forms M1856V, M1845V.
Identifiers: ClinVar variation 2951681 (VCV002951681.3), dbSNP rs781049315, ClinGen allele CA1943657.